The following is an entry in ClinVar:

NM_001389.5(DSCAM):c.5036-2A>G

Gene: DSCAM (DS cell adhesion molecule; minus strand). Cytogenetic location: 21q22.2.
Variant type: single nucleotide variant.
Coding change: c.5036-2A>G on transcript NM_001389.5 (MANE Select); the canonical splice acceptor site of the intron before coding-DNA position 5036, A replaced by G.
Molecular consequence: splice acceptor variant.
Genome position (GRCh38, 1-based): chr21:40,052,109, T>C on the plus strand (A>G on the coding strand, the complement: DSCAM is on the minus strand). VCF-style: chr21-40052109-T-C. GRCh37 (hg19) VCF-style: chr21-41424036-T-C.
Other names: c.5036-2A>G (NM_001271534.3).
Identifiers: ClinVar variation 3349942 (VCV003349942.1).

ClinVar aggregate classification (germline): Uncertain significance (0 of 4 stars; one submission).

Conditions:
DSCAM-related disorder. Also called: DSCAM-related condition.

gnomAD v4.1: 1 of 1,613,530 alleles (0.000062%); highest among the groups gnomAD compares: Non-Finnish European, 0.000085%; no homozygotes.

Submission:

PreventionGenetics, part of Exact Sciences
Classification: Uncertain significance for DSCAM-related condition. Last evaluated: 2024-04-10. Review status: no assertion criteria provided. Collection method: clinical testing. Allele origin: germline.
Comment: The DSCAM c.5036-2A>G variant is predicted to disrupt the AG splice acceptor site and interfere with normal splicing. To our knowledge, this variant has not been reported in the literature, indicating this variant is rare. However, it's been observed in 1 out of 628100 alleles in the most recent release of the gnomAD database. Although we suspect that this variant may be pathogenic, at this time, the clinical significance of this variant is uncertain due to the absence of conclusive functional and genetic evidence.